The following is an entry in ClinVar:

ClinVar aggregate classification (germline): Likely benign (1 of 4 stars; one submission).

Submission:

Women's Health and Genetics/Laboratory Corporation of America, LabCorp
Classification: Likely benign. Last evaluated: 2025-10-08. Review status: criteria provided, single submitter. Criteria: LabCorp Variant Classification Summary - May 2015. Collection method: clinical testing. Allele origin: germline.
Comment: Variant summary: PTPN11 c.14+14A>C alters a non-conserved nucleotide located at a position not widely known to affect splicing. Consensus agreement among computation tools predict no significant impact on normal splicing. However, these predictions have yet to be confirmed by functional studies. The variant was absent in 105312 control chromosomes. The available data on variant occurrences in the general population are insufficient to allow any conclusion about variant significance. To our knowledge, no occurrence of c.14+14A>C in individuals affected with PTPN11-related conditions and no experimental evidence demonstrating its impact on protein function have been reported. No submitters have cited clinical-significance assessments for this variant to ClinVar. Based on the evidence outlined above, the variant was classified as likely benign.

NM_002834.5(PTPN11):c.14+14A>C

Gene: PTPN11 (protein tyrosine phosphatase non-receptor type 11; plus strand). Cytogenetic location: 12q24.13.
Variant type: single nucleotide variant.
Coding change: c.14+14A>C on transcript NM_002834.5 (MANE Select); 14 bases into the intron after coding-DNA position 14, A replaced by C.
Molecular consequence: intron variant.
Genome position (GRCh38, 1-based): chr12:112,419,139, A>C. VCF-style: chr12-112419139-A-C. GRCh37 (hg19) VCF-style: chr12-112856943-A-C.
Other names: c.14+14A>C (NM_001330437.2, NM_001374625.1, NM_080601.3).
Identifiers: ClinVar variation 4687476 (VCV004687476.1).